The following is an entry in ClinVar:

ClinVar aggregate classification (germline): Uncertain significance (1 of 4 stars; one submission).

Conditions:
Early-infantile DEE. Also called: Early infantile epileptic encephalopathy; Ohtahara syndrome; Early infantile epileptic encephalopathy with suppression bursts. Identifiers: Orphanet 1934, MedGen C0393706, MONDO:0800491.

Allele frequency attached by ClinVar (database versions not stated): gnomAD exomes below 0.00001; TOPMed below 0.00001; ExAC 0.00001.
gnomAD v4.1: 5 of 1,613,198 alleles (0.00031%); highest among the groups gnomAD compares: Middle Eastern, 0.016%; no homozygotes.

Submission:

Labcorp Genetics (formerly Invitae), Labcorp
Classification: Uncertain significance for Early-infantile DEE. Last evaluated: 2025-08-13. Review status: criteria provided, single submitter. Criteria: Invitae Variant Classification Sherloc (09022015). Collection method: clinical testing. Allele origin: germline.
Comment: This sequence change replaces leucine, which is neutral and non-polar, with valine, which is neutral and non-polar, at codon 449 of the ARHGEF15 protein (p.Leu449Val). This variant is present in population databases (rs760006999, gnomAD 0.003%). This variant has not been reported in the literature in individuals affected with ARHGEF15-related conditions. ClinVar contains an entry for this variant (Variation ID: 1504356). An algorithm developed to predict the effect of missense changes on protein structure and function (PolyPhen-2) suggests that this variant is likely to be disruptive. In summary, the available evidence is currently insufficient to determine the role of this variant in disease. Therefore, it has been classified as a Variant of Uncertain Significance.

NM_173728.4(ARHGEF15):c.1345C>G (p.Leu449Val)

Gene: ARHGEF15 (Rho guanine nucleotide exchange factor 15; plus strand). Cytogenetic location: 17p13.1.
Variant type: single nucleotide variant.
Coding change: c.1345C>G on transcript NM_173728.4 (MANE Select); coding-DNA position 1345, C replaced by G.
Protein change: p.Leu449Val; replaces leucine 449 with valine.
Molecular consequence: missense variant.
Genome position (GRCh38, 1-based): chr17:8,315,498, C>G. VCF-style: chr17-8315498-C-G. GRCh37 (hg19) VCF-style: chr17-8218816-C-G.
Other names: c.1345C>G, p.Leu449Val (NM_025014.2); short protein forms L449V.
Identifiers: ClinVar variation 1504356 (VCV001504356.9), dbSNP rs760006999, ClinGen allele CA8375149.
Genomic context (GRCh38, chr17:8,315,498, plus strand): 5'-GAGGCTTCCTACCTGCGCTCCCTGCGGCTGCTGACCGACACCTTCGTGCTGAGCCAGGCA[C>G]TCCGGGACACGCTCACCCCCCGTGATCACCACACACTCTTCTCCAATGTGCAGCGAGTCC-3'
Protein context (NP_776089.2, residues 439-459): LTDTFVLSQA[Leu449Val]RDTLTPRDHH